The following is an entry in ClinVar:

ClinVar aggregate classification (germline): Uncertain significance. Review status: criteria provided, single submitter (1 of 4 stars). 2 submissions from 2 submitters: Uncertain significance (1). 1 of the submissions does not count toward it. Last evaluated 2022-04-16.

Conditions:
ATP8B1-related disorder. Also called: ATP8B1-related condition; ATP8B1-related disorders.

Allele frequency attached by ClinVar (database versions not stated): gnomAD exomes below 0.00001; gnomAD 0.00002; TOPMed 0.00002.
gnomAD v4.1: 8 of 1,613,668 alleles (0.0005%); highest among the groups gnomAD compares: African/African-American, 0.0067%; no homozygotes.

Submissions (2):

Labcorp Genetics (formerly Invitae), Labcorp
Classification: Uncertain significance. Last evaluated: 2022-04-16. Review status: criteria provided, single submitter. Criteria: Invitae Variant Classification Sherloc (09022015). Collection method: clinical testing. Allele origin: germline.
Comment: This sequence change falls in intron 16 of the ATP8B1 gene. It does not directly change the encoded amino acid sequence of the ATP8B1 protein. It affects a nucleotide within the consensus splice site. This variant is not present in population databases (gnomAD no frequency). This variant has not been reported in the literature in individuals affected with ATP8B1-related conditions. Variants that disrupt the consensus splice site are a relatively common cause of aberrant splicing (PMID: 17576681, 9536098). Algorithms developed to predict the effect of sequence changes on RNA splicing suggest that this variant is not likely to affect RNA splicing. In summary, the available evidence is currently insufficient to determine the role of this variant in disease. Therefore, it has been classified as a Variant of Uncertain Significance.

PreventionGenetics, part of Exact Sciences
Classification: Likely benign for ATP8B1-related condition. Last evaluated: 2023-11-22. Review status: no assertion criteria provided. Collection method: clinical testing. Allele origin: germline. Not counted in ClinVar's aggregate classification.
Comment: This variant is classified as likely benign based on ACMG/AMP sequence variant interpretation guidelines (Richards et al. 2015 PMID: 25741868, with internal and published modifications).

Literature cited by the submitters: PubMed 17576681 (cited by Labcorp Genetics (formerly Invitae), Labcorp); PubMed 9536098 (cited by Labcorp Genetics (formerly Invitae), Labcorp).

NM_001374385.1(ATP8B1):c.1819+6T>C

Gene: ATP8B1 (ATPase phospholipid transporting 8B1; minus strand). Cytogenetic location: 18q21.31.
Variant type: single nucleotide variant.
Coding change: c.1819+6T>C on transcript NM_001374385.1 (MANE Select); 6 bases into the intron after coding-DNA position 1819, T replaced by C.
Molecular consequence: intron variant.
Genome position (GRCh38, 1-based): chr18:57,674,828, A>G on the plus strand (T>C on the coding strand, the complement: ATP8B1 is on the minus strand). VCF-style: chr18-57674828-A-G. GRCh37 (hg19) VCF-style: chr18-55342060-A-G.
Other names: c.1819+6T>C (NM_005603.4, NM_005603.6); c.1669+6T>C (NM_001374386.1).
Identifiers: ClinVar variation 1964099 (VCV001964099.4), dbSNP rs1215260703, ClinGen allele CA780828756.
Genomic context (GRCh38, chr18:57,674,828, plus strand): 5'-TCAATACAATGGGCACAAGCAACATCTAAATGAGCGATTCATAGACAGACTCTGAGGGGG[A>G]CTTACCAATGATAGACATTCGCTTCCGGTCACTGTTGAAGTCCAAAATGGCAAGAACATT-3'